The following is an entry in ClinVar:

NM_000405.5(GM2A):c.188del (p.Asn63fs)

Gene: GM2A (ganglioside GM2 activator; plus strand). Cytogenetic location: 5q33.1.
Variant type: Deletion.
Coding change: c.188del on transcript NM_000405.5 (MANE Select); coding-DNA position 188, one base deleted (A; older notation c.188delA).
Protein change: p.Asn63fs; shifts the reading frame from asparagine 63.
Molecular consequence: frameshift variant.
Genome position (GRCh38, 1-based): chr5:151,259,861, A deleted; the last of 3 consecutive A bases (chr5:151,259,859-151,259,861); deleting any one gives the same sequence. VCF-style (leftmost placement, unchanged base first): chr5-151259858-GA-G. GRCh37 (hg19) VCF-style: chr5-150639419-GA-G.
Other names: c.188del, p.Asn63fs (NM_001167607.3); short protein forms N63fs.
Identifiers: ClinVar variation 4884781 (VCV004884781.1).
Genomic context (GRCh38, chr5:151,259,858, plus strand): 5'-GGAAGGACCCTGCGGTGATCAGAAGCCTGACTCTGGAGCCTGACCCCATCATCGTTCCTG[GA>G]AATGTGACCCTCAGTGTCATGGGCAGCACCAGTGTCCCCCTGAGTTCTCCTCTGAAGGTG-3'

ClinVar aggregate classification (germline): Pathogenic (0 of 4 stars; one submission).

Conditions:
Tay-Sachs disease, variant AB. Also called: GM2 Activator Deficiency; Gm2-gangliosidosis, ab variant. Identifiers: Orphanet 309246, MedGen C0268275, MONDO:0010099, OMIM 272750.

Submission:

Hong-Tao Li Lab, Institute of Brain Science and Brain-inspired Research, Shandong First Medical University & Shandong Academy of Medical Sciences China
Classification: Pathogenic for Tay-Sachs disease, variant AB. Review status: no assertion criteria provided. Collection method: research. Allele origin: germline. Inheritance: Autosomal recessive inheritance. Affected: yes. Observed: 1 variant allele, 1 homozygote.
Comment: Observed in affected individuals from a Pakistani neurodevelopmental-disorder research cohort of 263 individuals. Classification assigned using the ACMG/AMP framework.